The following is an entry in ClinVar:

ClinVar aggregate classification (germline): Likely benign (1 of 4 stars; one submission).

Submission:

CeGaT Center for Human Genetics Tuebingen
Classification: Likely benign. Last evaluated: 2026-09-01. Review status: criteria provided, single submitter. Criteria: CeGaT Center For Human Genetics Tuebingen Variant Classification Criteria Version 2. Collection method: clinical testing. Allele origin: germline. Affected: yes. Observed: 1 variant allele.
Comment: GOLGA6B: BP4, BP7

NM_018652.5(GOLGA6B):c.1554G>A (p.Thr518=)

Gene: GOLGA6B (golgin A6 family member B; plus strand). Cytogenetic location: 15q24.1.
Variant type: single nucleotide variant.
Coding change: c.1554G>A on transcript NM_018652.5 (MANE Select); coding-DNA position 1554, G replaced by A.
Protein change: p.Thr518=; no amino-acid change (threonine 518 retained).
Molecular consequence: synonymous variant.
Genome position (GRCh38, 1-based): chr15:72,664,996, G>A. VCF-style: chr15-72664996-G-A. GRCh37 (hg19) VCF-style: chr15-72957337-G-A.
Identifiers: ClinVar variation 5041033 (VCV005041033.1).